The following is an entry in ClinVar:

ClinVar aggregate classification (germline): Conflicting classifications of pathogenicity. Review status: criteria provided, conflicting classifications (1 of 4 stars). 4 submissions from 4 submitters: Uncertain significance (3); Likely benign (1). Last evaluated 2026-06-25.

Conditions:
Hereditary breast ovarian cancer syndrome. Also called: Hereditary breast and ovarian cancer; Hereditary breast and/or ovarian cancer syndrome; Breast and ovarian cancer; Hereditary breast and ovarian cancer syndrome; Hereditary breast and ovarian cancer syndrome (HBOC); BRCA1- and BRCA2-Associated Hereditary Breast and Ovarian Cancer. Identifiers: Orphanet 145, MedGen C0677776, MeSH D061325, MONDO:0003582. Disease mechanism: loss of function.
Hereditary cancer-predisposing syndrome. Also called: Hereditary Cancer Syndrome; Tumor predisposition; Neoplastic Syndromes, Hereditary; Hereditary neoplastic syndrome. Identifiers: Orphanet 140162, MedGen C0027672, MeSH D009386, MONDO:0015356.

Submissions (4):

Ambry Genetics
Classification: Uncertain significance for Hereditary cancer-predisposing syndrome. Last evaluated: 2026-06-25. Review status: criteria provided, single submitter. Criteria: Ambry Variant Classification Scheme 2023. Collection method: clinical testing. Allele origin: germline.
Comment: The p.E537A variant (also known as c.1610A>C), located in coding exon 9 of the BRCA2 gene, results from an A to C substitution at nucleotide position 1610. The glutamic acid at codon 537 is replaced by alanine, an amino acid with dissimilar properties. This amino acid position is conserved. In addition, this alteration is predicted to be tolerated by in silico analysis. Based on the available evidence, the clinical significance of this variant remains unclear.

Center for Genomic Medicine, Rigshospitalet, Copenhagen University Hospital
Classification: Uncertain significance. Last evaluated: 2025-03-04. Review status: criteria provided, single submitter. Criteria: ACMG Guidelines, 2015. Collection method: clinical testing. Allele origin: germline.

University of Washington Department of Laboratory Medicine, University of Washington
Classification: Likely benign for Hereditary cancer-predisposing syndrome. Last evaluated: 2023-03-23. Review status: criteria provided, single submitter. Criteria: Dines et al. (Genet Med. 2020). Collection method: curation. Allele origin: germline.
Comment: Missense variant in a coldspot region where missense variants are very unlikely to be pathogenic (PMID:31911673).

BRCA2 exon 10 coldspot. Reclassification based on statistical prior probability.

Labcorp Genetics (formerly Invitae), Labcorp
Classification: Uncertain significance for Hereditary breast ovarian cancer syndrome. Last evaluated: 2021-01-13. Review status: criteria provided, single submitter. Criteria: Invitae Variant Classification Sherloc (09022015). Collection method: clinical testing. Allele origin: germline.
Comment: In summary, the available evidence is currently insufficient to determine the role of this variant in disease. Therefore, it has been classified as a Variant of Uncertain Significance. Advanced modeling of protein sequence and biophysical properties (such as structural, functional, and spatial information, amino acid conservation, physicochemical variation, residue mobility, and thermodynamic stability) performed at Invitae indicates that this missense variant is not expected to disrupt BRCA2 protein function. This variant has not been reported in the literature in individuals with BRCA2-related conditions. This variant is not present in population databases (ExAC no frequency). This sequence change replaces glutamic acid with alanine at codon 537 of the BRCA2 protein (p.Glu537Ala). The glutamic acid residue is weakly conserved and there is a moderate physicochemical difference between glutamic acid and alanine.

NM_000059.4(BRCA2):c.1610A>C (p.Glu537Ala)

Gene: BRCA2 (BRCA2 DNA repair associated; plus strand). Cytogenetic location: 13q13.1.
Variant type: single nucleotide variant.
Coding change: c.1610A>C on transcript NM_000059.4 (MANE Select); coding-DNA position 1610, A replaced by C.
Protein change: p.Glu537Ala; replaces glutamic acid 537 with alanine.
Molecular consequence: missense variant.
Genome position (GRCh38, 1-based): chr13:32,333,088, A>C. VCF-style: chr13-32333088-A-C. GRCh37 (hg19) VCF-style: chr13-32907225-A-C.
Other names: c.1610A>C (NM_000059.3); short protein forms E537A.
Identifiers: ClinVar variation 1502227 (VCV001502227.16), dbSNP rs2072417616, ClinGen allele CA387764865.
Genomic context (GRCh38, chr13:32,333,088, plus strand): 5'-ATGCAAGTTTTTCAGGTCATATGACTGATCCAAACTTTAAAAAAGAAACTGAAGCCTCTG[A>C]AAGTGGACTGGAAATACATACTGTTTGCTCACAGAAGGAGGACTCCTTATGTCCAAATTT-3'
Protein context (NP_000050.3, residues 527-547): PNFKKETEAS[Glu537Ala]SGLEIHTVCS